The following is an entry in ClinVar:

ClinVar aggregate classification (germline): Pathogenic (1 of 4 stars; one submission).

Conditions:
Glucose-6-phosphate transport defect (GSD1B). Also called: Glycogen Storage Disease Type Ib; GSD Ib. Identifiers: Orphanet 364, Orphanet 79259, MedGen C0268146, MONDO:0009288, OMIM 232220.

Submission:

Labcorp Genetics (formerly Invitae), Labcorp
Classification: Pathogenic for Glucose-6-phosphate transport defect. Last evaluated: 2023-10-15. Review status: criteria provided, single submitter. Criteria: Invitae Variant Classification Sherloc (09022015). Collection method: clinical testing. Allele origin: germline.
Comment: This sequence change creates a premature translational stop signal (p.Arg166Profs*42) in the SLC37A4 gene. It is expected to result in an absent or disrupted protein product. Loss-of-function variants in SLC37A4 are known to be pathogenic (PMID: 9758626, 10940311). This variant is not present in population databases (gnomAD no frequency). This variant has not been reported in the literature in individuals affected with SLC37A4-related conditions. For these reasons, this variant has been classified as Pathogenic.

Literature cited by the submitters: PubMed 9758626; PubMed 10940311.

NM_001164277.2(SLC37A4):c.497_509del (p.Arg166fs)

Gene: SLC37A4 (solute carrier family 37 member 4; minus strand). Cytogenetic location: 11q23.3.
Variant type: Deletion.
Coding change: c.497_509del on transcript NM_001164277.2 (MANE Select); coding-DNA positions 497 to 509, 13 bases deleted (GCAGCACGCTGGC).
Protein change: p.Arg166fs; shifts the reading frame from arginine 166.
Molecular consequence: frameshift variant.
Genome position (GRCh38, 1-based): chr11:119,027,745-119,027,757, GCCAGCGTGCTGC deleted on the plus strand (GCAGCACGCTGGC on the coding strand, the reverse complement: SLC37A4 is on the minus strand); deleting any 13 consecutive bases within chr11:119,027,745-119,027,763 gives the same sequence; the c. name uses the placement nearest the transcript's 3' end. VCF-style (leftmost placement, unchanged base first): chr11-119027744-GGCCAGCGTGCTGC-G. GRCh37 (hg19) VCF-style: chr11-118898454-GGCCAGCGTGCTGC-G.
Other names: c.497_509del, p.Arg166fs (NM_001164278.2, NM_001164280.2, NM_001467.6); c.278_290del, p.Arg93fs (NM_001164279.2); short protein forms R93fs, R166fs.
Identifiers: ClinVar variation 2768890 (VCV002768890.3), dbSNP rs2497028783, ClinGen allele CA2697552060.